The following is an entry in ClinVar:

NM_001122769.3(LCA5):c.407del (p.Ser135_Leu136insTer)

Gene: LCA5 (lebercilin LCA5; minus strand). Cytogenetic location: 6q14.1.
Variant type: Deletion.
Coding change: c.407del on transcript NM_001122769.3 (MANE Select); coding-DNA position 407, one base deleted (T; older notation c.407delT).
Protein change: p.Ser135_Leu136insTer.
Molecular consequence: nonsense.
Genome position (GRCh38, 1-based): chr6:79,513,525, A deleted on the plus strand (T on the coding strand, the reverse complement: LCA5 is on the minus strand); the first of 3 consecutive A bases (chr6:79,513,525-79,513,527); deleting any one gives the same sequence. VCF-style (leftmost placement, unchanged base first): chr6-79513524-CA-C. GRCh37 (hg19) VCF-style: chr6-80223241-CA-C.
Other names: c.407del, p.Ser135_Leu136insTer (NM_181714.4); c.407delT (NM_181714.3).
Identifiers: ClinVar variation 2094552 (VCV002094552.6), dbSNP rs866130991, ClinGen allele CA141844719.

ClinVar aggregate classification (germline): Pathogenic/Likely pathogenic. Review status: criteria provided, multiple submitters, no conflicts (2 of 4 stars). 3 submissions from 3 submitters: Pathogenic (1); Likely pathogenic (2). Last evaluated 2025-10-07.

Conditions:
Leber congenital amaurosis 5 (LCA5). Also called: Amaurosis congenita of Leber, type 5. Identifiers: Orphanet 65, MedGen C1858301, MONDO:0011473, OMIM 604537.

Submissions (3):

Natera, Inc.
Classification: Likely pathogenic for Leber congenital amaurosis type 5. Last evaluated: 2025-10-07. Review status: criteria provided, single submitter. Criteria: Natera Variant Classification Schema (03/2026). Collection method: clinical testing. Allele origin: germline.
Comment: The c.407delT variant in LCA5 is a frameshift variant predicted to shift the reading frame and introduce a stop codon. This variant is expected to result in nonsense mediated decay, truncation, or a dysfunctional protein product. This variant is rare in the general population with a frequency below the threshold expected for the associated phenotype(s). Given the available evidence, this variant is classified as Likely Pathogenic.

Baylor Genetics
Classification: Likely pathogenic for Leber congenital amaurosis 5. Last evaluated: 2024-01-01. Review status: criteria provided, single submitter. Criteria: ACMG Guidelines, 2015. Collection method: clinical testing. Allele origin: unknown.

Labcorp Genetics (formerly Invitae), Labcorp
Classification: Pathogenic. Last evaluated: 2023-09-13. Review status: criteria provided, single submitter. Criteria: Invitae Variant Classification Sherloc (09022015). Collection method: clinical testing. Allele origin: germline.
Comment: For these reasons, this variant has been classified as Pathogenic. ClinVar contains an entry for this variant (Variation ID: 2094552). This variant has not been reported in the literature in individuals affected with LCA5-related conditions. This variant is not present in population databases (gnomAD no frequency). This sequence change creates a premature translational stop signal (p.Leu136*) in the LCA5 gene. It is expected to result in an absent or disrupted protein product. Loss-of-function variants in LCA5 are known to be pathogenic (PMID: 17546029, 23946133).

Literature cited by the submitters: PubMed 17546029 (cited by Labcorp Genetics (formerly Invitae), Labcorp); PubMed 23946133 (cited by Labcorp Genetics (formerly Invitae), Labcorp).